The following is an entry in ClinVar:

NM_000138.5(FBN1):c.4179_4182del (p.Glu1393fs)

Gene: FBN1 (fibrillin 1; minus strand). Cytogenetic location: 15q21.1.
Variant type: Microsatellite.
Coding change: c.4179_4182del on transcript NM_000138.5 (MANE Select); coding-DNA positions 4179 to 4182, 4 bases deleted (AGGA; older notation c.4179_4182delAGGA).
Protein change: p.Glu1393fs; shifts the reading frame from glutamic acid 1393.
Molecular consequence: frameshift variant.
Genome position (GRCh38, 1-based): chr15:48,474,283-48,474,286, TCCT deleted on the plus strand (AGGA on the coding strand, the reverse complement: FBN1 is on the minus strand); deleting any 4 consecutive bases within chr15:48,474,283-48,474,291 gives the same sequence; the c. name uses the placement nearest the transcript's 3' end. VCF-style (leftmost placement, unchanged base first): chr15-48474282-ATCCT-A. GRCh37 (hg19) VCF-style: chr15-48766479-ATCCT-A.
Other names: c.4174_4177AAGG[1], p.Glu1393Aspfs (NM_001406716.1); short protein forms E1393fs.
Identifiers: ClinVar variation 2110714 (VCV002110714.4), dbSNP rs2505517444, ClinGen allele CA2580613819.
Genomic context (GRCh38, chr15:48,474,282, plus strand): 5'-GTGTTGACACAGTTGTTTCCAGCGTGAACATACCTGTACAAGTGAAGCCATCACCTGTGT[ATCCT>A]TCCTTGCACAGACAGCGGTAAGATCCCATGGTATTCTTGCAGTCTGCATGCTGGCTGCAC-3'

ClinVar aggregate classification (germline): Pathogenic (1 of 4 stars; one submission).

Conditions:
Familial thoracic aortic aneurysm and aortic dissection (TAAD). Also called: Thoracic aortic aneurysms and dissections. Identifiers: Orphanet 91387, MedGen C4707243, MONDO:0019625.
Marfan syndrome (MFS). Also called: MARFAN SYNDROME, TYPE I; Marfan syndrome type 1; Marfan's syndrome; Marfan syndrome, classic; FBN1-Related Marfan Syndrome. Identifiers: Orphanet 284963, Orphanet 558, MedGen C0024796, MONDO:0007947, OMIM 154700.

Submission:

Labcorp Genetics (formerly Invitae), Labcorp
Classification: Pathogenic for Marfan syndrome; Familial thoracic aortic aneurysm and aortic dissection. Last evaluated: 2022-03-13. Review status: criteria provided, single submitter. Criteria: Invitae Variant Classification Sherloc (09022015). Collection method: clinical testing. Allele origin: germline.
Comment: This variant is not present in population databases (gnomAD no frequency). For these reasons, this variant has been classified as Pathogenic. This variant has not been reported in the literature in individuals affected with FBN1-related conditions. This sequence change creates a premature translational stop signal (p.Glu1393Aspfs*19) in the FBN1 gene. It is expected to result in an absent or disrupted protein product. Loss-of-function variants in FBN1 are known to be pathogenic (PMID: 17657824, 19293843).

Literature cited by the submitters: PubMed 17657824; PubMed 19293843.